The following is an entry in ClinVar:

NM_005732.4(RAD50):c.288G>C (p.Val96=)

Gene: RAD50 (RAD50 double strand break repair protein; plus strand). Cytogenetic location: 5q31.1.
Variant type: single nucleotide variant.
Coding change: c.288G>C on transcript NM_005732.4 (MANE Select); coding-DNA position 288, G replaced by C.
Protein change: p.Val96=; no amino-acid change (valine 96 retained).
Molecular consequence: synonymous variant.
Genome position (GRCh38, 1-based): chr5:132,575,851, G>C. VCF-style: chr5-132575851-G-C. GRCh37 (hg19) VCF-style: chr5-131911543-G-C.
Identifiers: ClinVar variation 482081 (VCV000482081.38), dbSNP rs876658184, ClinGen allele CA446351613.

ClinVar aggregate classification (germline): Likely benign. Review status: criteria provided, multiple submitters, no conflicts (2 of 4 stars). 3 submissions from 3 submitters: Likely benign (3). Last evaluated 2023-03-22.

Conditions:
Hereditary cancer-predisposing syndrome. Also called: Hereditary neoplastic syndrome; Tumor predisposition; Neoplastic Syndromes, Hereditary; Hereditary Cancer Syndrome. Identifiers: Orphanet 140162, MedGen C0027672, MeSH D009386, MONDO:0015356.

Allele frequency attached by ClinVar (database versions not stated): TOPMed below 0.00001.
gnomAD v4.1: 3 of 1,604,890 alleles (0.00019%); highest among the groups gnomAD compares: Non-Finnish European, 0.00026%; no homozygotes.

Submissions (3):

Labcorp Genetics (formerly Invitae), Labcorp
Classification: Likely benign for Hereditary cancer-predisposing syndrome. Last evaluated: 2023-03-22. Review status: criteria provided, single submitter. Criteria: Invitae Variant Classification Sherloc (09022015). Collection method: clinical testing. Allele origin: germline.

CeGaT Center for Human Genetics Tuebingen
Classification: Likely benign. Last evaluated: 2022-12-01. Review status: criteria provided, single submitter. Criteria: CeGaT Center For Human Genetics Tuebingen Variant Classification Criteria Version 2. Collection method: clinical testing. Allele origin: germline. Affected: yes. Observed: 1 variant allele.
Comment: RAD50: BP4, BP7

Ambry Genetics
Classification: Likely benign for Hereditary cancer-predisposing syndrome. Last evaluated: 2016-03-03. Review status: criteria provided, single submitter. Criteria: Ambry Variant Classification Scheme 2023. Collection method: clinical testing. Allele origin: germline.